The following is an entry in ClinVar:

ClinVar aggregate classification (germline): Uncertain significance. Review status: criteria provided, multiple submitters, no conflicts (2 of 4 stars). 5 submissions from 4 submitters: Uncertain significance (4). 1 of the submissions does not count toward it. Last evaluated 2026-06-12.

Conditions:
PEX10-related disorder. Also called: PEX10-related condition.
Zellweger spectrum disorders (ZS). Also called: Zellweger syndrome; Zellweger Spectrum Disorder (ZSD); Zellweger Spectrum Disorder; Zellweger Spectrum. Identifiers: Orphanet 912, MedGen C0043459, MONDO:0019609.
Peroxisome biogenesis disorder, complementation group 7 (CG7). Also called: Peroxisome biogenesis disorder, complementation group B. Identifiers: MedGen C1864399.
Peroxisome biogenesis disorder 6A (Zellweger). Also called: Peroxisome biogenesis disorder 6A. Identifiers: Orphanet 912, MedGen C3553947, MONDO:0013936, OMIM 614870.
Peroxisome biogenesis disorder 6B (PBD6B). Identifiers: Orphanet 44, MedGen C3553948, MONDO:0013937, OMIM 614871.

Allele frequency attached by ClinVar (database versions not stated): TOPMed 0.00004; gnomAD exomes 0.00005 and 0.00008; gnomAD 0.00006 and 0.00007; ExAC 0.00008; ESP Exome Variant Server 0.00008.
gnomAD v4.1: 80 of 1,610,138 alleles (0.005%); highest among the groups gnomAD compares: South Asian, 0.031%; no homozygotes.

Submissions (5):

PreventionGenetics, part of Exact Sciences
Classification: Uncertain significance for PEX10-related condition. Last evaluated: 2026-06-12. Review status: criteria provided, single submitter. Criteria: ACMG Guidelines, 2015. Collection method: clinical testing. Allele origin: germline.
Comment: The PEX10 c.785G>A variant is predicted to result in the amino acid substitution p.Arg262Gln. To our knowledge, this variant has not been reported in the literature. This variant is reported in 0.040% of alleles in individuals of Ashkenazi Jewish descent in gnomAD. At this time, the clinical significance of this variant is uncertain due to the absence of conclusive functional and genetic evidence.

Labcorp Genetics (formerly Invitae), Labcorp
Classification: Uncertain significance for Peroxisome biogenesis disorder, complementation group 7. Last evaluated: 2022-08-31. Review status: criteria provided, single submitter. Criteria: Invitae Variant Classification Sherloc (09022015). Collection method: clinical testing. Allele origin: germline.
Comment: This sequence change replaces arginine, which is basic and polar, with glutamine, which is neutral and polar, at codon 262 of the PEX10 protein (p.Arg262Gln). This variant is present in population databases (rs142257121, gnomAD 0.04%). This variant has not been reported in the literature in individuals affected with PEX10-related conditions. ClinVar contains an entry for this variant (Variation ID: 964978). Algorithms developed to predict the effect of missense changes on protein structure and function are either unavailable or do not agree on the potential impact of this missense change (SIFT: "Tolerated"; PolyPhen-2: "Possibly Damaging"; Align-GVGD: "Class C0"). In summary, the available evidence is currently insufficient to determine the role of this variant in disease. Therefore, it has been classified as a Variant of Uncertain Significance.

Genome-Nilou Lab
Classification: Uncertain significance for Peroxisome biogenesis disorder 6A (Zellweger). Last evaluated: 2021-07-14. Review status: criteria provided, single submitter. Criteria: ACMG Guidelines, 2015. Collection method: clinical testing. Allele origin: germline. Affected: no.

Genome-Nilou Lab
Classification: Uncertain significance for Peroxisome biogenesis disorder 6B. Last evaluated: 2021-07-14. Review status: criteria provided, single submitter. Criteria: ACMG Guidelines, 2015. Collection method: clinical testing. Allele origin: germline. Affected: no.

Natera, Inc.
Classification: Uncertain significance for Zellweger syndrome. Last evaluated: 2020-02-15. Review status: no assertion criteria provided. Collection method: clinical testing. Allele origin: germline. Not counted in ClinVar's aggregate classification.

NM_002617.4(PEX10):c.725G>A (p.Arg242Gln)

Gene: PEX10 (peroxisomal biogenesis factor 10; minus strand). Cytogenetic location: 1p36.32.
Variant type: single nucleotide variant.
Coding change: c.725G>A on transcript NM_002617.4 (MANE Select); coding-DNA position 725, G replaced by A.
Protein change: p.Arg242Gln; replaces arginine 242 with glutamine.
Molecular consequence: missense variant. On other transcripts: non-coding transcript variant (1).
Genome position (GRCh38, 1-based): chr1:2,406,771, C>T on the plus strand (G>A on the coding strand, the complement: PEX10 is on the minus strand). VCF-style: chr1-2406771-C-T. GRCh37 (hg19) VCF-style: chr1-2338210-C-T.
Other names: c.782G>A, p.Arg261Gln (NM_001374425.1); c.350G>A, p.Arg117Gln (NM_001374426.1); c.293G>A, p.Arg98Gln (NM_001374427.1); c.785G>A, p.Arg262Gln (NM_153818.2); short protein forms R261Q, R262Q, R117Q, R242Q, R98Q.
Identifiers: ClinVar variation 964978 (VCV000964978.8), dbSNP rs142257121, ClinGen allele CA538057.